The following is an entry in ClinVar:

NM_134424.4(RAD52):c.1037C>A (p.Ser346Ter)

Genes: RAD52 (RAD52 DNA repair protein; minus strand), LOC126861412 (P300/CBP strongly-dependent group 1 enhancer GRCh37_chr12:1023012-1024211; plus strand). Cytogenetic location: 12p13.33.
Variant type: single nucleotide variant.
Coding change: c.1037C>A on transcript NM_134424.4 (MANE Select); coding-DNA position 1037, C replaced by A.
Protein change: p.Ser346Ter; replaces serine 346 with a stop codon.
Molecular consequence: nonsense. On other transcripts: non-coding transcript variant (1).
Genome position (GRCh38, 1-based): chr12:914,052, G>T on the plus strand (C>A on the coding strand, the complement: RAD52 is on the minus strand). VCF-style: chr12-914052-G-T. GRCh37 (hg19) VCF-style: chr12-1023218-G-T.
Other names: c.1037C>A, p.Ser346Ter (NM_001297419.1, NM_002879.2); c.806C>A, p.Ser269Ter (NM_001297421.2); short protein forms S269*, S346*.
Identifiers: ClinVar variation 3037321 (VCV003037321.3), dbSNP rs4987207, ClinGen allele CA6383652.

ClinVar aggregate classification (germline): Benign. Review status: criteria provided, single submitter (1 of 4 stars). 2 submissions from 2 submitters: Benign (1). 1 of the submissions does not count toward it. Last evaluated 2025-09-10.

Conditions:
Congenital myasthenic syndrome 19. Identifiers: Orphanet 590, MedGen C4225235, MONDO:0014745, OMIM 616720.
RAD52-related disorder. Also called: RAD52-related condition.

Allele frequency attached by ClinVar (database versions not stated): ESP Exome Variant Server 0.00982; gnomAD 0.01063; ExAC 0.01683; 1000 Genomes Project 0.02177; 1000 Genomes Project 30x 0.02217.
gnomAD v4.1: 20,913 of 1,614,122 alleles (1.3%); highest among the groups gnomAD compares: South Asian, 4.7%; 251 homozygotes.

Submissions (2):

Genomic Medicine Center of Excellence, King Faisal Specialist Hospital and Research Centre
Classification: Benign for Congenital myasthenic syndrome 19. Last evaluated: 2025-09-10. Review status: criteria provided, single submitter. Criteria: ACMG Guidelines, 2015. Collection method: clinical testing. Allele origin: germline.

PreventionGenetics, part of Exact Sciences
Classification: Benign for RAD52-related condition. Last evaluated: 2021-04-14. Review status: no assertion criteria provided. Collection method: clinical testing. Allele origin: germline. Not counted in ClinVar's aggregate classification.
Comment: This variant is classified as benign based on ACMG/AMP sequence variant interpretation guidelines (Richards et al. 2015 PMID: 25741868, with internal and published modifications).